The following is an entry in ClinVar:

ClinVar aggregate classification (germline): Uncertain significance (1 of 4 stars; one submission).

Conditions:
Noonan syndrome 4 (NS4). Also called: NOONAN SYNDROME WITH PIGMENTED VILLONODULAR SYNOVITIS; SOS1-Related Noonan Syndrome. Identifiers: Orphanet 648, MedGen C1853120, MONDO:0012547, OMIM 610733.

Submission:

Neuberg Centre For Genomic Medicine, NCGM
Classification: Uncertain significance for Noonan syndrome 4. Review status: criteria provided, single submitter. Criteria: ACMG Guidelines, 2015. Collection method: clinical testing. Allele origin: germline. Inheritance: Autosomal dominant inheritance. Affected: yes.
Comment: The synonymous c.3399T>C p.Ala1133 variant in SOS1 gene has not been reported previously as a pathogenic variant nor as a benign variant, to our knowledge. The p.Ala1133 variant is novel not in any individuals in both gnomAD Exomes and 1000 Genomes databases. This variant has not been reported to the ClinVar database. This is synonymous variant, and hence, additional studies will be required to prove the pathogenicity of this variant. For these reasons, this variant has been classified as a Variant of Uncertain Significance VUS.

NM_005633.4(SOS1):c.3399T>C (p.Ala1133=)

Gene: SOS1 (SOS Ras/Rac guanine nucleotide exchange factor 1; minus strand). Cytogenetic location: 2p22.1.
Variant type: single nucleotide variant.
Coding change: c.3399T>C on transcript NM_005633.4 (MANE Select); coding-DNA position 3399, T replaced by C.
Protein change: p.Ala1133=; no amino-acid change (alanine 1133 retained).
Molecular consequence: synonymous variant.
Genome position (GRCh38, 1-based): chr2:38,987,584, A>G on the plus strand (T>C on the coding strand, the complement: SOS1 is on the minus strand). VCF-style: chr2-38987584-A-G. GRCh37 (hg19) VCF-style: chr2-39214725-A-G.
Other names: c.3378T>C, p.Ala1126= (NM_001382394.1); c.3354T>C, p.Ala1118= (NM_001382395.1).
Identifiers: ClinVar variation 3234898 (VCV003234898.1), dbSNP rs2528879545, ClinGen allele CA425719122.